The following is an entry in ClinVar:

NM_001199138.2(NLRC4):c.2426A>G (p.Asp809Gly)

Gene: NLRC4 (NLR family CARD domain containing 4; minus strand). Cytogenetic location: 2p22.3.
Variant type: single nucleotide variant.
Coding change: c.2426A>G on transcript NM_001199138.2 (MANE Select); coding-DNA position 2426, A replaced by G.
Protein change: p.Asp809Gly; replaces aspartic acid 809 with glycine.
Molecular consequence: missense variant.
Genome position (GRCh38, 1-based): chr2:32,238,227, T>C on the plus strand (A>G on the coding strand, the complement: NLRC4 is on the minus strand). VCF-style: chr2-32238227-T-C. GRCh37 (hg19) VCF-style: chr2-32463296-T-C.
Other names: c.431A>G, p.Asp144Gly (NM_001302504.2); c.2426A>G, p.Asp809Gly (NM_021209.5, NM_001199139.2); short protein forms D809G, D144G.
Identifiers: ClinVar variation 475253 (VCV000475253.9), dbSNP rs937306605, ClinGen allele CA44739485.

ClinVar aggregate classification (germline): Uncertain significance. Review status: criteria provided, multiple submitters, no conflicts (2 of 4 stars). 2 submissions from 2 submitters: Uncertain significance (2). Last evaluated 2026-01-27.

Conditions:
Periodic fever-infantile enterocolitis-autoinflammatory syndrome. Also called: Autoinflammation with infantile enterocolitis. Identifiers: Orphanet 436166, MedGen C4015067, MONDO:0014472, OMIM 616050.
Familial cold autoinflammatory syndrome 4 (FCAS4). Identifiers: Orphanet 47045, Orphanet 576349, MedGen C4015276, MONDO:0014498, OMIM 616115.

Allele frequency attached by ClinVar (database versions not stated): gnomAD exomes below 0.00001; TOPMed 0.00002; gnomAD 0.00003.
gnomAD v4.1: 5 of 1,613,518 alleles (0.00031%); highest among the groups gnomAD compares: African/African-American, 0.0053%; no homozygotes.

Submissions (2):

Labcorp Genetics (formerly Invitae), Labcorp
Classification: Uncertain significance for Periodic fever-infantile enterocolitis-autoinflammatory syndrome; Familial cold autoinflammatory syndrome 4. Last evaluated: 2026-01-27. Review status: criteria provided, single submitter. Criteria: Invitae Variant Classification Sherloc (09022015). Collection method: clinical testing. Allele origin: germline.
Comment: This sequence change replaces aspartic acid, which is acidic and polar, with glycine, which is neutral and non-polar, at codon 809 of the NLRC4 protein (p.Asp809Gly). This variant is present in population databases (no rsID available, gnomAD 0.004%). This variant has not been reported in the literature in individuals affected with NLRC4-related conditions. ClinVar contains an entry for this variant (Variation ID: 475253). Invitae Evidence Modeling of protein sequence and biophysical properties (such as structural, functional, and spatial information, amino acid conservation, physicochemical variation, residue mobility, and thermodynamic stability) indicates that this missense variant is not expected to disrupt NLRC4 protein function with a negative predictive value of 80%. In summary, the available evidence is currently insufficient to determine the role of this variant in disease. Therefore, it has been classified as a Variant of Uncertain Significance.

Genomic Medicine Center of Excellence, King Faisal Specialist Hospital and Research Centre
Classification: Uncertain significance for Periodic fever-infantile enterocolitis-autoinflammatory syndrome. Last evaluated: 2023-05-08. Review status: criteria provided, single submitter. Criteria: ACMG Guidelines, 2015. Collection method: research. Allele origin: germline. Affected: yes.